The following is an entry in ClinVar:

ClinVar aggregate classification (germline): Uncertain significance. Review status: criteria provided, multiple submitters, no conflicts (2 of 4 stars). 2 submissions from 2 submitters: Uncertain significance (2). Last evaluated 2023-03-13.

Allele frequency attached by ClinVar (database versions not stated): gnomAD 0.00002; TOPMed 0.00002; gnomAD exomes 0.00001; ExAC 0.00001.
gnomAD v4.1: 23 of 1,613,818 alleles (0.0014%); highest among the groups gnomAD compares: Middle Eastern, 0.016%; no homozygotes.

Submissions (2):

Revvity Omics, Revvity
Classification: Uncertain significance. Last evaluated: 2023-03-13. Review status: criteria provided, single submitter. Criteria: ACMG Guidelines, 2015. Collection method: clinical testing. Allele origin: germline.

Greenwood Genetic Center Diagnostic Laboratories, Greenwood Genetic Center
Classification: Uncertain significance. Last evaluated: 2022-10-24. Review status: criteria provided, single submitter. Criteria: ACMG Guidelines, 2015. Collection method: clinical testing. Allele origin: germline. Affected: yes.
Comment: PM2

NM_001367805.3(KIF23):c.1801C>T (p.Arg601Cys)

Gene: KIF23 (kinesin family member 23; plus strand). Cytogenetic location: 15q23.
Variant type: single nucleotide variant.
Coding change: c.1801C>T on transcript NM_001367805.3 (MANE Select); coding-DNA position 1801, C replaced by T.
Protein change: p.Arg601Cys; replaces arginine 601 with cysteine.
Molecular consequence: missense variant. On other transcripts: non-coding transcript variant (2).
Genome position (GRCh38, 1-based): chr15:69,439,949, C>T. VCF-style: chr15-69439949-C-T. GRCh37 (hg19) VCF-style: chr15-69732288-C-T.
Other names: c.1429C>T, p.Arg477Cys (NM_001281301.2); c.1759C>T, p.Arg587Cys (NM_001367804.2, NM_004856.7, NM_138555.4); short protein forms R477C, R587C, R601C.
Identifiers: ClinVar variation 2429081 (VCV002429081.6), dbSNP rs749649102, ClinGen allele CA7635258.
Genomic context (GRCh38, chr15:69,439,949, plus strand): 5'-GGTCTACCTTCCTAGATTGAGATTTTAGAGAAAACAACTACTATCTATGAGGAAGATAAA[C>T]GCAATTTGCAACAGGAACTTGAAACTCAGAACCAGAAACTTCAGCGACAGTTTTCTGACA-3'
Protein context (NP_001354734.1, residues 591-611): KTTTIYEEDK[Arg601Cys]NLQQELETQN